The following is an entry in ClinVar:

ClinVar aggregate classification (germline): Uncertain significance. Review status: criteria provided, multiple submitters, no conflicts (2 of 4 stars). 3 submissions from 3 submitters: Uncertain significance (3). Last evaluated 2025-04-16.

Conditions:
Hereditary cancer-predisposing syndrome. Also called: Hereditary neoplastic syndrome; Tumor predisposition; Hereditary Cancer Syndrome; Neoplastic Syndromes, Hereditary. Identifiers: Orphanet 140162, MedGen C0027672, MeSH D009386, MONDO:0015356.
Familial cancer of breast. Also called: Hereditary breast cancer; hereditary breast carcinoma; BREAST CANCER, FAMILIAL. Identifiers: Orphanet 227535, MedGen C0346153, MONDO:0016419, OMIM 114480. Disease mechanism: loss of function.

Allele frequency attached by ClinVar (database versions not stated): gnomAD exomes below 0.00001.

Submissions (3):

Labcorp Genetics (formerly Invitae), Labcorp
Classification: Uncertain significance for Familial cancer of breast. Last evaluated: 2025-04-16. Review status: criteria provided, single submitter. Criteria: Invitae Variant Classification Sherloc (09022015). Collection method: clinical testing. Allele origin: germline.
Comment: This sequence change replaces proline, which is neutral and non-polar, with serine, which is neutral and polar, at codon 92 of the CHEK2 protein (p.Pro92Ser). This variant is not present in population databases (gnomAD no frequency). This variant has not been reported in the literature in individuals affected with CHEK2-related conditions. ClinVar contains an entry for this variant (Variation ID: 491609). An algorithm developed to predict the effect of missense changes on protein structure and function (PolyPhen-2) suggests that this variant is likely to be tolerated. Experimental studies have shown that this missense change does not substantially affect CHEK2 function (PMID: 37449874). In summary, the available evidence is currently insufficient to determine the role of this variant in disease. Therefore, it has been classified as a Variant of Uncertain Significance.

Ambry Genetics
Classification: Uncertain significance for Hereditary cancer-predisposing syndrome. Last evaluated: 2025-02-18. Review status: criteria provided, single submitter. Criteria: Ambry Variant Classification Scheme 2023. Collection method: clinical testing. Allele origin: germline.
Comment: The p.P92S variant (also known as c.274C>T), located in coding exon 1 of the CHEK2 gene, results from a C to T substitution at nucleotide position 274. The proline at codon 92 is replaced by serine, an amino acid with similar properties. This variant was reported as functional in a study assessing CHEK2-complementation through quantification of KAP1 phosphorylation and CHK2 autophosphorylation in human RPE1-CHEK2-knockout cells (Stolarova L et al. Clin Cancer Res, 2023 Aug;29:3037-3050). This amino acid position is well conserved in available vertebrate species. In addition, the in silico prediction for this alteration is inconclusive. Based on the available evidence, the clinical significance of this variant remains unclear.

Color Diagnostics, LLC DBA Color Health
Classification: Uncertain significance for Hereditary cancer-predisposing syndrome. Last evaluated: 2023-09-25. Review status: criteria provided, single submitter. Criteria: ACMG Guidelines, 2015. Collection method: clinical testing. Allele origin: germline.
Comment: This missense variant replaces proline with serine at codon 92 of the CHEK2 protein. Computational prediction suggests that this variant may not impact protein structure and function (internally defined REVEL score threshold <= 0.5, PMID: 27666373). This variant did not impact autophosphorylation or KAP1 phosphorylation in a mammalian cell complementation assay (PMID: 37449874). This variant has not been reported in individuals affected with CHEK2-related disorders in the literature. This variant has not been identified in the general population by the Genome Aggregation Database (gnomAD). The available evidence is insufficient to determine the role of this variant in disease conclusively. Therefore, this variant is classified as a Variant of Uncertain Significance.

Literature cited by the submitters: PubMed 37449874 (cited by 3 submitters).

NM_007194.4(CHEK2):c.274C>T (p.Pro92Ser)

Gene: CHEK2 (checkpoint kinase 2; minus strand). Cytogenetic location: 22q12.1.
Variant type: single nucleotide variant.
Coding change: c.274C>T on transcript NM_007194.4 (MANE Select); coding-DNA position 274, C replaced by T.
Protein change: p.Pro92Ser; replaces proline 92 with serine.
Molecular consequence: missense variant.
Genome position (GRCh38, 1-based): chr22:28,734,448, G>A on the plus strand (C>T on the coding strand, the complement: CHEK2 is on the minus strand). VCF-style: chr22-28734448-G-A. GRCh37 (hg19) VCF-style: chr22-29130436-G-A.
Other names: c.274C>T, p.Pro92Ser (NM_001005735.3, NM_001349956.3, NM_145862.3); c.-504C>T (NM_001257387.3); short protein forms P92S.
Identifiers: ClinVar variation 491609 (VCV000491609.17), dbSNP rs1555932172, ClinGen allele CA411090434.